The following is an entry in ClinVar:

NM_018062.4(FANCL):c.540+9895A>G

Gene: FANCL (FA complementation group L; minus strand). Cytogenetic location: 2p16.1.
Variant type: single nucleotide variant.
Coding change: c.540+9895A>G on transcript NM_018062.4 (MANE Select); 9895 bases into the intron after coding-DNA position 540, A replaced by G.
Molecular consequence: intron variant.
Genome position (GRCh38, 1-based): chr2:58,188,699, T>C on the plus strand (A>G on the coding strand, the complement: FANCL is on the minus strand). VCF-style: chr2-58188699-T-C. GRCh37 (hg19) VCF-style: chr2-58415834-T-C.
Other names: c.585+5530A>G (NM_001374615.1); c.555+9880A>G (NM_001114636.2); c.600+5530A>G (NM_001410792.1).
Identifiers: ClinVar variation 3905472 (VCV003905472.10).

ClinVar aggregate classification (germline): Likely benign (1 of 4 stars; one submission).

Submission:

CeGaT Center for Human Genetics Tuebingen
Classification: Likely benign. Last evaluated: 2025-05-01. Review status: criteria provided, single submitter. Criteria: CeGaT Center For Human Genetics Tuebingen Variant Classification Criteria Version 2. Collection method: clinical testing. Allele origin: germline. Affected: yes. Observed: 1 variant allele.
Comment: FANCL: PM2:Supporting, BP4, BP7